The following is an entry in ClinVar:

ClinVar aggregate classification (germline): Likely benign (1 of 4 stars; one submission).

gnomAD v4.1: 2,637 of 1,606,638 alleles (0.16%); highest among the groups gnomAD compares: Middle Eastern, 0.93%; 9 homozygotes.

Submission:

CeGaT Center for Human Genetics Tuebingen
Classification: Likely benign. Last evaluated: 2024-10-01. Review status: criteria provided, single submitter. Criteria: CeGaT Center For Human Genetics Tuebingen Variant Classification Criteria Version 2. Collection method: clinical testing. Allele origin: germline. Affected: yes. Observed: 1 variant allele.
Comment: EFCAB6: BP4, BS2

NM_022785.4(EFCAB6):c.1657C>G (p.Gln553Glu)

Gene: EFCAB6 (EF-hand calcium binding domain 6; minus strand). Cytogenetic location: 22q13.2.
Variant type: single nucleotide variant.
Coding change: c.1657C>G on transcript NM_022785.4 (MANE Select); coding-DNA position 1657, C replaced by G.
Protein change: p.Gln553Glu; replaces glutamine 553 with glutamic acid.
Molecular consequence: missense variant.
Genome position (GRCh38, 1-based): chr22:43,669,029, G>C on the plus strand (C>G on the coding strand, the complement: EFCAB6 is on the minus strand). VCF-style: chr22-43669029-G-C. GRCh37 (hg19) VCF-style: chr22-44064909-G-C.
Other names: c.1201C>G, p.Gln401Glu (NM_198856.3); short protein forms Q401E, Q553E.
Identifiers: ClinVar variation 3387926 (VCV003387926.14).